The following is an entry in ClinVar:

NC_000006.11:g.(?_51892607)_(51893169_?)del

Gene: PKHD1 (PKHD1 ciliary IPT domain containing fibrocystin/polyductin; minus strand). Cytogenetic location: 6p12.2.
Variant type: Deletion.
Identifiers: ClinVar variation 3245963 (VCV003245963.1).

ClinVar aggregate classification (germline): Pathogenic (1 of 4 stars; one submission).

Conditions:
Autosomal recessive polycystic kidney disease (ARPKD). Also called: AR polycystic kidney disease. Identifiers: Orphanet 731, Orphanet 8378, MedGen C0085548, MeSH D017044, MONDO:0009889.

Submission:

Labcorp Genetics (formerly Invitae), Labcorp
Classification: Pathogenic for Autosomal recessive polycystic kidney disease. Last evaluated: 2023-05-18. Review status: criteria provided, single submitter. Criteria: Invitae Variant Classification Sherloc (09022015). Collection method: clinical testing. Allele origin: unknown.
Comment: For these reasons, this variant has been classified as Pathogenic. This variant disrupts a region of the PKHD1 protein in which other variant(s) (p.Ser1156Leu) have been determined to be pathogenic (PMID: 16199545, 20413436, 27225849, 33437033). This suggests that this is a clinically significant region of the protein, and that variants that disrupt it are likely to be disease-causing. This variant has not been reported in the literature in individuals affected with PKHD1-related conditions. This variant is a gross deletion of the genomic region encompassing exon(s) 30-31 of the PKHD1 gene. This variant would be expected to be in-frame, preserving the integrity of the reading frame.

Literature cited by the submitters: PubMed 16199545; PubMed 20413436; PubMed 27225849; PubMed 33437033.